The following is an entry in ClinVar:

ClinVar aggregate classification (germline): Pathogenic (1 of 4 stars; one submission).

Submission:

Athena Diagnostics
Classification: Pathogenic. Last evaluated: 2022-03-23. Review status: criteria provided, single submitter. Criteria: Athena Diagnostics Criteria. Collection method: clinical testing. Allele origin: unknown.
Comment: This variant is expected to result in the loss of a functional protein. A similar deletion of exons 46-51 has been identified in at least one individual with Duchenne muscular dystrophy (DMD). Similar variants have not been reported in large, multi-ethnic general populations (Genome Aggregation Database (gnomAD), Cambridge, MA (URL)).

Literature cited by the submitters: PubMed 22090376; PubMed 9800909; PubMed 15655674.

Single allele

Gene: DMD (dystrophin; minus strand). Cytogenetic location: Xp21.1.
Variant type: Deletion.
Identifiers: ClinVar variation 1256409 (VCV001256409.3).